The following is an entry in ClinVar:

NM_001384125.1(BLTP1):c.4032T>C (p.Asp1344=)

Gene: BLTP1 (bridge-like lipid transfer protein family member 1; plus strand). Cytogenetic location: 4q27.
Variant type: single nucleotide variant.
Coding change: c.4032T>C on transcript NM_001384125.1 (MANE Select); coding-DNA position 4032, T replaced by C.
Protein change: p.Asp1344=; no amino-acid change (aspartic acid 1344 retained).
Molecular consequence: synonymous variant.
Genome position (GRCh38, 1-based): chr4:122,239,714, T>C. VCF-style: chr4-122239714-T-C. GRCh37 (hg19) VCF-style: chr4-123160869-T-C.
Other names: c.4032T>C, p.Asp1344= (NM_015312.4).
Identifiers: ClinVar variation 3054976 (VCV003054976.2), dbSNP rs371993693, ClinGen allele CA3066291.
Genomic context (GRCh38, chr4:122,239,714, plus strand): 5'-TACTGCTGCTTTCTATGGGGACAAGCAGCCTGTAACAGTTGGAGTCCAGTTTAGTAGTGA[T>C]GTCTCTCGAAGTGATGAGAATGTACTAGACTCACCAAAGCAGAGGAGAAGTTTTGGTTCA-3'
Protein context (NP_001371054.1, residues 1334-1354): PVTVGVQFSS[Asp1344=]VSRSDENVLD

ClinVar aggregate classification (germline): Likely benign (0 of 4 stars; one submission).

Conditions:
BLTP1-related disorder. Also called: BLTP1-related condition.

Allele frequency attached by ClinVar (database versions not stated): gnomAD 0.00001; TOPMed 0.00001; ExAC 0.00002; gnomAD exomes 0.00002; ESP Exome Variant Server 0.00008.
gnomAD v4.1: 30 of 1,614,066 alleles (0.0019%); highest among the groups gnomAD compares: Non-Finnish European, 0.0025%; no homozygotes.

Submission:

PreventionGenetics, part of Exact Sciences
Classification: Likely benign for BLTP1-related condition. Last evaluated: 2022-05-02. Review status: no assertion criteria provided. Collection method: clinical testing. Allele origin: germline.
Comment: This variant is classified as likely benign based on ACMG/AMP sequence variant interpretation guidelines (Richards et al. 2015 PMID: 25741868, with internal and published modifications).